The following is an entry in ClinVar:

NM_006859.4(LIAS):c.301A>G (p.Asn101Asp)

Gene: LIAS (lipoic acid synthetase; plus strand). Cytogenetic location: 4p14.
Variant type: single nucleotide variant.
Coding change: c.301A>G on transcript NM_006859.4 (MANE Select); coding-DNA position 301, A replaced by G.
Protein change: p.Asn101Asp; replaces asparagine 101 with aspartic acid.
Molecular consequence: missense variant. On other transcripts: intron variant (2).
Genome position (GRCh38, 1-based): chr4:39,462,278, A>G. VCF-style: chr4-39462278-A-G. GRCh37 (hg19) VCF-style: chr4-39463898-A-G.
Other names: c.301A>G, p.Asn101Asp (NM_001278590.2, NM_001278591.2, NM_194451.3); c.219-1247A>G (NM_001363700.2, NM_001278592.2); short protein forms N101D.
Identifiers: ClinVar variation 287006 (VCV000287006.12), dbSNP rs886043545, ClinGen allele CA10605640.

ClinVar aggregate classification (germline): Uncertain significance. Review status: criteria provided, multiple submitters, no conflicts (2 of 4 stars). 2 submissions from 2 submitters: Uncertain significance (2). Last evaluated 2022-03-04.

Conditions:
Lipoic acid synthetase deficiency. Also called: HYPERGLYCINEMIA, LACTIC ACIDOSIS, AND SEIZURES. Identifiers: Orphanet 401859, MedGen C3280887, MONDO:0013762, OMIM 614462.

Allele frequency attached by ClinVar (database versions not stated): gnomAD exomes below 0.00001.
gnomAD v4.1: 1 of 1,541,754 alleles (0.000065%); highest among the groups gnomAD compares: Admixed American, 0.0019%; no homozygotes.

Submissions (2):

Labcorp Genetics (formerly Invitae), Labcorp
Classification: Uncertain significance for Lipoic acid synthetase deficiency. Last evaluated: 2022-03-04. Review status: criteria provided, single submitter. Criteria: Invitae Variant Classification Sherloc (09022015). Collection method: clinical testing. Allele origin: germline.
Comment: This sequence change replaces asparagine, which is neutral and polar, with aspartic acid, which is acidic and polar, at codon 101 of the LIAS protein (p.Asn101Asp). This variant is not present in population databases (gnomAD no frequency). This variant has not been reported in the literature in individuals affected with LIAS-related conditions. ClinVar contains an entry for this variant (Variation ID: 287006). Algorithms developed to predict the effect of missense changes on protein structure and function (SIFT, PolyPhen-2, Align-GVGD) all suggest that this variant is likely to be tolerated. Algorithms developed to predict the effect of sequence changes on RNA splicing suggest that this variant may create or strengthen a splice site. In summary, the available evidence is currently insufficient to determine the role of this variant in disease. Therefore, it has been classified as a Variant of Uncertain Significance.

Eurofins Ntd Llc (ga)
Classification: Uncertain significance. Last evaluated: 2016-04-08. Review status: criteria provided, single submitter. Criteria: EGL Classification Definitions 2015. Collection method: clinical testing. Allele origin: germline. Observed: 1 variant allele, 1 heterozygote.